The following is an entry in ClinVar:

ClinVar aggregate classification (germline): Likely benign (1 of 4 stars; one submission).

Allele frequency attached by ClinVar (database versions not stated): TOPMed 0.00006; gnomAD 0.00022; gnomAD exomes 0.00036; ExAC 0.00079; 1000 Genomes Project 30x 0.00172; 1000 Genomes Project 0.00200.
gnomAD v4.1: 552 of 1,593,818 alleles (0.035%); highest among the groups gnomAD compares: South Asian, 0.58%; 9 homozygotes.

Submission:

CeGaT Center for Human Genetics Tuebingen
Classification: Likely benign. Last evaluated: 2022-06-01. Review status: criteria provided, single submitter. Criteria: CeGaT Center For Human Genetics Tuebingen Variant Classification Criteria Version 2. Collection method: clinical testing. Allele origin: germline. Affected: yes. Observed: 1 variant allele.
Comment: FAM91A1: BP4, BS1

NM_144963.4(FAM91A1):c.2364G>T (p.Glu788Asp)

Gene: FAM91A1 (family with sequence similarity 91 member A1; plus strand). Cytogenetic location: 8q24.13.
Variant type: single nucleotide variant.
Coding change: c.2364G>T on transcript NM_144963.4 (MANE Select); coding-DNA position 2364, G replaced by T.
Protein change: p.Glu788Asp; replaces glutamic acid 788 with aspartic acid.
Molecular consequence: missense variant.
Genome position (GRCh38, 1-based): chr8:123,812,551, G>T. VCF-style: chr8-123812551-G-T. GRCh37 (hg19) VCF-style: chr8-124824791-G-T.
Other names: c.1638G>T, p.Glu546Asp (NM_001317917.2); short protein forms E546D, E788D.
Identifiers: ClinVar variation 2658793 (VCV002658793.24), dbSNP rs559570553, ClinGen allele CA4868349.